The following is an entry in ClinVar:

ClinVar aggregate classification (germline): Pathogenic (1 of 4 stars; one submission).

Conditions:
Cardiovascular phenotype. Identifiers: MedGen CN230736.

Submission:

Ambry Genetics
Classification: Pathogenic for Cardiovascular phenotype. Last evaluated: 2022-01-05. Review status: criteria provided, single submitter. Criteria: Ambry Variant Classification Scheme 2023. Collection method: clinical testing. Allele origin: germline.
Comment: The c.2193delG pathogenic mutation, located in coding exon 1 of the ZNF469 gene, results from a deletion of one nucleotide at nucleotide position 2193, causing a translational frameshift with a predicted alternate stop codon (p.T732Pfs*68). This variant is considered to be rare based on population cohorts in the Genome Aggregation Database (gnomAD). This alteration is expected to result in loss of function by premature protein truncation or nonsense-mediated mRNA decay. As such, this alteration is interpreted as a disease-causing mutation.

NM_001367624.2(ZNF469):c.2193del (p.Thr732fs)

Gene: ZNF469 (zinc finger protein 469; plus strand). Cytogenetic location: 16q24.2.
Variant type: Deletion.
Coding change: c.2193del on transcript NM_001367624.2 (MANE Select); coding-DNA position 2193, one base deleted (G; older notation c.2193delG).
Protein change: p.Thr732fs; shifts the reading frame from threonine 732.
Molecular consequence: frameshift variant.
Genome position (GRCh38, 1-based): chr16:88,429,663, G deleted. VCF-style (leftmost placement, unchanged base first): chr16-88429662-TG-T. GRCh37 (hg19) VCF-style: chr16-88496070-TG-T.
Other names: NM_001127464.1:c.2193delG; short protein forms T732fs.
Identifiers: ClinVar variation 1787451 (VCV001787451.2), dbSNP rs2507577853, ClinGen allele CA2580092230.